The following is an entry in ClinVar:

ClinVar aggregate classification (germline): Uncertain significance (1 of 4 stars; one submission).

Conditions:
Idiopathic generalized epilepsy. Also called: EIG; Generalised epilepsy. Identifiers: MedGen C0270850, MONDO:0005579, OMIM 600669.
Hyperaldosteronism, familial, type IV (HALD4). Also called: FH IV; ALDOSTERONISM, PRIMARY, AND HYPERTENSION. Identifiers: Orphanet 642671, MedGen C4310756, MONDO:0014875, OMIM 617027.

Submission:

Labcorp Genetics (formerly Invitae), Labcorp
Classification: Uncertain significance for Idiopathic generalized epilepsy; Hyperaldosteronism, familial, type IV. Last evaluated: 2024-11-19. Review status: criteria provided, single submitter. Criteria: Invitae Variant Classification Sherloc (09022015). Collection method: clinical testing. Allele origin: germline.
Comment: This sequence change creates a premature translational stop signal (p.Gln1220Argfs*124) in the CACNA1H gene. It is expected to result in an absent or disrupted protein product. However, the current clinical and genetic evidence is not sufficient to establish whether loss-of-function variants in CACNA1H cause disease. This variant is not present in population databases (gnomAD no frequency). This variant has not been reported in the literature in individuals affected with CACNA1H-related conditions. In summary, the available evidence is currently insufficient to determine the role of this variant in disease. Therefore, it has been classified as a Variant of Uncertain Significance.

NM_021098.3(CACNA1H):c.3657del (p.Gln1220fs)

Gene: CACNA1H (calcium voltage-gated channel subunit alpha1 H; plus strand). Cytogenetic location: 16p13.3.
Variant type: Deletion.
Coding change: c.3657del on transcript NM_021098.3 (MANE Select); coding-DNA position 3657, one base deleted (G; older notation c.3657delG).
Protein change: p.Gln1220fs; shifts the reading frame from glutamine 1220.
Molecular consequence: frameshift variant.
Genome position (GRCh38, 1-based): chr16:1,209,325, G deleted; the last of 3 consecutive G bases (chr16:1,209,323-1,209,325); deleting any one gives the same sequence. VCF-style (leftmost placement, unchanged base first): chr16-1209322-CG-C. GRCh37 (hg19) VCF-style: chr16-1259322-CG-C.
Other names: c.3657del, p.Gln1220fs (NM_001005407.2); short protein forms Q1220fs.
Identifiers: ClinVar variation 3759824 (VCV003759824.2).
Genomic context (GRCh38, chr16:1,209,322, plus strand): 5'-CCTGGACCCACGGCCCCTGCGGCCGGCCGCCCTCCCGCCTACCAAGTGCCGCGATCGCGA[CG>C]GGCAGGTGGTGGCCCTGCCCAGCGACTTCTTCCTGCGCATCGACAGCCACCGTGAGGATG-3'